The following is an entry in ClinVar:

NM_022124.6(CDH23):c.5711C>T (p.Thr1904Met)

Gene: CDH23 (cadherin related 23; plus strand). Cytogenetic location: 10q22.1.
Variant type: single nucleotide variant.
Coding change: c.5711C>T on transcript NM_022124.6 (MANE Select); coding-DNA position 5711, C replaced by T.
Protein change: p.Thr1904Met; replaces threonine 1904 with methionine.
Molecular consequence: missense variant.
Genome position (GRCh38, 1-based): chr10:71,785,099, C>T. VCF-style: chr10-71785099-C-T. GRCh37 (hg19) VCF-style: chr10-73544856-C-T.
Other names: short protein forms T1904M.
Identifiers: ClinVar variation 300445 (VCV000300445.13), dbSNP rs372981760, ClinGen allele CA5545844.
Genomic context (GRCh38, chr10:71,785,099, plus strand): 5'-CACGCCTCACCTTCAACATCACTGCGGGCAACCGCGAGCGGGCCTTCTTCATCAATGCCA[C>T]GGTAGGGCCTAGACTGACCCCAGGGAGCTTCCCAGGGTTTCCAGTGAAAAAGAGGACCCT-3'
Protein context (NP_071407.4, residues 1894-1914): NRERAFFINA[Thr1904Met]TGIVTVNRPL

ClinVar aggregate classification (germline): Uncertain significance. Review status: criteria provided, multiple submitters, no conflicts (2 of 4 stars). 7 submissions from 6 submitters: Uncertain significance (6). 1 of the submissions does not count toward it. Last evaluated 2026-07-21.

Conditions:
Usher syndrome type 1 (USH1). Also called: RETINITIS PIGMENTOSA AND CONGENITAL DEAFNESS. Identifiers: Orphanet 231169, Orphanet 886, MedGen C1568247, MONDO:0010168, OMIM 276900.
CDH23-related disorder. Also called: CDH23-related condition; CDH23-related disorders.
Autosomal recessive nonsyndromic hearing loss 12. Also called: DEAFNESS, AUTOSOMAL RECESSIVE 12. Identifiers: Orphanet 90636, MedGen C1832394, MONDO:0011067, OMIM 601386.
Usher syndrome type 1D (USH1D). Also called: USHER SYNDROME, TYPE ID. Identifiers: Orphanet 231169, Orphanet 886, MedGen C1832845, MONDO:0010984, OMIM 601067.

Allele frequency attached by ClinVar (database versions not stated): ExAC 0.00005; ESP Exome Variant Server 0.00008; TOPMed 0.00009; gnomAD exomes 0.00010 and 0.00013; gnomAD 0.00012 and 0.00013.
gnomAD v4.1: 200 of 1,612,906 alleles (0.012%); highest among the groups gnomAD compares: Non-Finnish European, 0.015%; no homozygotes.

Submissions (7):

PreventionGenetics, part of Exact Sciences
Classification: Uncertain significance for CDH23-related condition. Last evaluated: 2026-07-21. Review status: criteria provided, single submitter. Criteria: ACMG Guidelines, 2015. Collection method: clinical testing. Allele origin: germline.
Comment: The CDH23 c.5711C>T variant is predicted to result in the amino acid substitution p.Thr1904Met. To our knowledge, this variant has not been reported in the literature. This variant is reported in 0.015% of alleles in individuals of European (Non-Finnish) descent in gnomAD. At this time, the clinical significance of this variant is uncertain due to the absence of conclusive functional and genetic evidence.

Blueprint Genetics
Classification: Uncertain significance. Last evaluated: 2024-05-13. Review status: criteria provided, single submitter. Criteria: ACMG Guidelines, 2015. Collection method: clinical testing. Allele origin: germline.

GeneDx
Classification: Uncertain significance. Last evaluated: 2023-11-29. Review status: criteria provided, single submitter. Criteria: GeneDx Variant Classification Process June 2021. Collection method: clinical testing. Allele origin: germline. Affected: yes.
Comment: In silico analysis supports that this missense variant has a deleterious effect on protein structure/function; Has not been previously published as pathogenic or benign to our knowledge

Labcorp Genetics (formerly Invitae), Labcorp
Classification: Uncertain significance. Last evaluated: 2022-08-05. Review status: criteria provided, single submitter. Criteria: Invitae Variant Classification Sherloc (09022015). Collection method: clinical testing. Allele origin: germline.
Comment: This sequence change replaces threonine, which is neutral and polar, with methionine, which is neutral and non-polar, at codon 1904 of the CDH23 protein (p.Thr1904Met). This variant is present in population databases (rs372981760, gnomAD 0.01%). This variant has not been reported in the literature in individuals affected with CDH23-related conditions. ClinVar contains an entry for this variant (Variation ID: 300445). Algorithms developed to predict the effect of missense changes on protein structure and function are either unavailable or do not agree on the potential impact of this missense change (SIFT: "Deleterious"; PolyPhen-2: "Not Available"; Align-GVGD: "Class C65"). Algorithms developed to predict the effect of sequence changes on RNA splicing suggest that this variant may disrupt the consensus splice site. In summary, the available evidence is currently insufficient to determine the role of this variant in disease. Therefore, it has been classified as a Variant of Uncertain Significance.

Illumina Laboratory Services, Illumina
Classification: Uncertain significance for Autosomal recessive nonsyndromic hearing loss 12. Last evaluated: 2018-01-12. Review status: criteria provided, single submitter. Criteria: ICSL Variant Classification Criteria 13 December 2019. Collection method: clinical testing. Allele origin: germline.

Illumina Laboratory Services, Illumina
Classification: Uncertain significance for Usher syndrome type 1D. Last evaluated: 2018-01-12. Review status: criteria provided, single submitter. Criteria: ICSL Variant Classification Criteria 13 December 2019. Collection method: clinical testing. Allele origin: germline.

Natera, Inc.
Classification: Uncertain significance for Usher syndrome type 1. Last evaluated: 2019-10-28. Review status: no assertion criteria provided. Collection method: clinical testing. Allele origin: germline. Not counted in ClinVar's aggregate classification.